The following is an entry in ClinVar:

NM_177438.3(DICER1):c.2608A>T (p.Thr870Ser)

Gene: DICER1 (dicer 1, ribonuclease III; minus strand). Cytogenetic location: 14q32.13.
Variant type: single nucleotide variant.
Coding change: c.2608A>T on transcript NM_177438.3 (MANE Select); coding-DNA position 2608, A replaced by T.
Protein change: p.Thr870Ser; replaces threonine 870 with serine.
Molecular consequence: missense variant. On other transcripts: non-coding transcript variant (6).
Genome position (GRCh38, 1-based): chr14:95,107,922, T>A on the plus strand (A>T on the coding strand, the complement: DICER1 is on the minus strand). VCF-style: chr14-95107922-T-A. GRCh37 (hg19) VCF-style: chr14-95574259-T-A.
Other names: c.2608A>T, p.Thr870Ser (NM_001195573.1, NM_001271282.3, NM_001291628.2 and 12 more transcripts); c.2326A>T, p.Thr776Ser (NM_001395686.1); c.2203A>T, p.Thr735Ser (NM_001395687.1, NM_001395688.1, NM_001395689.1 and 2 more transcripts); c.2041A>T, p.Thr681Ser (NM_001395691.1); c.925A>T, p.Thr309Ser (NM_001395697.1); short protein forms T776S, T681S, T309S, T735S, T870S.
Identifiers: ClinVar variation 4011676 (VCV004011676.1).

ClinVar aggregate classification (germline): Uncertain significance (1 of 4 stars; one submission).

Conditions:
Hereditary cancer-predisposing syndrome. Also called: Tumor predisposition; Hereditary neoplastic syndrome; Neoplastic Syndromes, Hereditary; Hereditary Cancer Syndrome. Identifiers: Orphanet 140162, MedGen C0027672, MeSH D009386, MONDO:0015356.

Submission:

Ambry Genetics
Classification: Uncertain significance for Hereditary cancer-predisposing syndrome. Last evaluated: 2025-05-31. Review status: criteria provided, single submitter. Criteria: Ambry Variant Classification Scheme 2023. Collection method: clinical testing. Allele origin: germline.
Comment: The p.T870S variant (also known as c.2608A>T), located in coding exon 15 of the DICER1 gene, results from an A to T substitution at nucleotide position 2608. The threonine at codon 870 is replaced by serine, an amino acid with similar properties. This amino acid position is conserved. In addition, this alteration is predicted to be tolerated by in silico analysis. Based on the available evidence, the clinical significance of this variant remains unclear.